The following is an entry in ClinVar:

hg18chrX:g.(48,802,381_48,809,279)_(48,829,265_48,854,335)del

Genes: CCDC120 (coiled-coil domain containing 120; plus strand), PRAF2 (PRA1 domain family member 2; minus strand), WDR45 (WD repeat domain 45; minus strand). Cytogenetic location: Xp11.23.
Variant type: Deletion.
Identifiers: ClinVar variation 190973 (VCV000190973.1).

ClinVar aggregate classification (germline): Pathogenic (1 of 4 stars; one submission).

Conditions:
Early onset epileptic encephalopathy.

Submission:

Medical Genetics and Functional Genomics Laboratory, Aix-Marseille University
Classification: Pathogenic for Early onset epileptic encephalopathy. Last evaluated: 2014-10-01. Review status: criteria provided, single submitter. Criteria: Submitter's publication. Collection method: research. Allele origin: de novo. Affected: yes. Observed: 1 variant allele.
Comment: Early onset epileptic encephalopathy CNV identification